The following is an entry in ClinVar:

NM_000426.4(LAMA2):c.437C>T (p.Ser146Phe)

Gene: LAMA2 (laminin subunit alpha 2; plus strand). Cytogenetic location: 6q22.33.
Variant type: single nucleotide variant.
Coding change: c.437C>T on transcript NM_000426.4 (MANE Select); coding-DNA position 437, C replaced by T.
Protein change: p.Ser146Phe; replaces serine 146 with phenylalanine.
Molecular consequence: missense variant.
Genome position (GRCh38, 1-based): chr6:129,098,213, C>T. VCF-style: chr6-129098213-C-T. GRCh37 (hg19) VCF-style: chr6-129419358-C-T.
Other names: p.Ser146Phe; c.437C>T, p.Ser146Phe (NM_001079823.2); short protein forms S146F.
Identifiers: ClinVar variation 162573 (VCV000162573.18), dbSNP rs143680577, ClinGen allele CA295383.

ClinVar aggregate classification (germline): Conflicting classifications of pathogenicity. Review status: criteria provided, conflicting classifications (1 of 4 stars). 9 submissions from 9 submitters: Pathogenic (1); Likely pathogenic (3); Uncertain significance (4). 1 of the submissions does not count toward it. Last evaluated 2025-03-25.

Conditions:
Muscular dystrophy, limb-girdle, autosomal recessive 23. Identifiers: Orphanet 565837, MedGen C4748327, MONDO:0029136, OMIM 618138.
Merosin deficient congenital muscular dystrophy (MDC1A). Also called: Congenital merosin-deficient muscular dystrophy 1A; Congenital Muscular Dystrophy Type 1A (MDC1A). Identifiers: Orphanet 258, MedGen C1263858, MONDO:0011925, OMIM 607855.
LAMA2-related muscular dystrophy (LAMA2-RD). Also called: Laminin alpha 2-related dystrophy. Identifiers: MedGen C5679788, MONDO:0100228.

gnomAD v4.1: 5 of 1,613,730 alleles (0.00031%); highest among the groups gnomAD compares: Non-Finnish European, 0.00034%; no homozygotes.

Submissions (9):

Myriad Genetics, Inc.
Classification: Likely pathogenic for LAMA2-related muscular dystrophy. Last evaluated: 2025-03-25. Review status: criteria provided, single submitter. Criteria: Myriad Autosomal Dominant, Autosomal Recessive and X-Linked Classification Criteria (2023). Collection method: clinical testing. Allele origin: unknown.
Comment: NM_000426.3(LAMA2):c.437C>T(S146F) is a missense variant classified as likely pathogenic in the context of muscular dystrophy, LAMA2-related. S146F has been observed in cases with relevant disease (PMID: 38484275, 37206914, 30055037, 39213089, 35533453). Relevant functional assessments of this variant are not available in the literature. Internal structural analysis of the variant is supportive of pathogenicity. S146F has been observed in referenced population frequency databases. In summary, NM_000426.3(LAMA2):c.437C>T(S146F) is a missense variant that has internal structural support for pathogenicity and has been observed more frequently in cases with the relevant disease than in healthy populations. Please note: this variant was assessed in the context of healthy population screening.

First Genomix Gene Laboratory, Genetic Diagnostics Department
Classification: Likely pathogenic for Merosin deficient congenital muscular dystrophy; Muscular dystrophy, limb-girdle, autosomal recessive 23. Last evaluated: 2025-01-16. Review status: criteria provided, single submitter. Criteria: ACMG Guidelines, 2015. Collection method: clinical testing. Allele origin: germline. Inheritance: Autosomal recessive inheritance. Affected: no. Observed: 1 variant allele.

3billion
Classification: Uncertain significance for Muscular dystrophy, limb-girdle, autosomal recessive 23. Last evaluated: 2024-11-07. Review status: criteria provided, single submitter. Criteria: ACMG Guidelines, 2015. Collection method: clinical testing. Allele origin: germline. Affected: yes.
Comment: The variant is observed at an extremely low frequency in the gnomAD v4.1.0 dataset (total allele frequency: <0.001%). Predicted Consequence/Location: Missense variant. The majority of the known disease-causing variants of this gene are variants expected to result in premature termination of the protein. In silico tool predictions suggest damaging effect of the variant on gene or gene product [REVEL: 0.85 (>=0.6, sensitivity 0.68 and specificity 0.92)]. The same nucleotide change resulting in the same amino acid change has been previously reported to be associated with LAMA2 related disorder (PMID: 26633542). A different missense change at the same codon (p.Ser146Tyr) has been reported to be associated with LAMA2 related disorder (ClinVar ID: VCV001431679). However the evidence of pathogenicity is insufficient at this time. Therefore, this variant is classified as VUS according to the recommendation of ACMG/AMP guideline.

Blueprint Genetics
Classification: Uncertain significance. Last evaluated: 2023-04-12. Review status: criteria provided, single submitter. Criteria: ACMG Guidelines, 2015. Collection method: clinical testing. Allele origin: germline.

Baylor Genetics
Classification: Pathogenic for Merosin deficient congenital muscular dystrophy. Last evaluated: 2023-02-13. Review status: criteria provided, single submitter. Criteria: ACMG Guidelines, 2015. Collection method: clinical testing. Allele origin: unknown.

Labcorp Genetics (formerly Invitae), Labcorp
Classification: Uncertain significance for LAMA2-related muscular dystrophy. Last evaluated: 2021-08-12. Review status: criteria provided, single submitter. Criteria: Invitae Variant Classification Sherloc (09022015). Collection method: clinical testing. Allele origin: germline.
Comment: This sequence change replaces serine with phenylalanine at codon 146 of the LAMA2 protein (p.Ser146Phe). The serine residue is moderately conserved and there is a large physicochemical difference between serine and phenylalanine. This variant is present in population databases (rs143680577, ExAC 0.001%). This missense change has been observed in individual(s) with congenital muscular dystrophy type 1A (PMID: 30055037). ClinVar contains an entry for this variant (Variation ID: 162573). Algorithms developed to predict the effect of missense changes on protein structure and function are either unavailable or do not agree on the potential impact of this missense change (SIFT: "Deleterious"; PolyPhen-2: "Probably Damaging"; Align-GVGD: "Class C0"). In summary, the available evidence is currently insufficient to determine the role of this variant in disease. Therefore, it has been classified as a Variant of Uncertain Significance.

Mayo Clinic Laboratories, Mayo Clinic
Classification: Uncertain significance. Last evaluated: 2021-03-10. Review status: criteria provided, single submitter. Criteria: ACMG Guidelines, 2015. Collection method: clinical testing. Allele origin: germline.

GeneDx
Classification: Likely pathogenic. Last evaluated: 2019-08-30. Review status: criteria provided, single submitter. Criteria: GeneDx Variant Classification Process June 2021. Collection method: clinical testing. Allele origin: germline. Affected: yes.
Comment: Observed in an individual with congenital muscular dystrophy who harbored a second variant on the opposite LAMA2 allele (Oliveira et al., 2018); Not observed at a significant frequency in large population cohorts (Lek et al., 2016); In silico analysis, which includes protein predictors and evolutionary conservation, supports a deleterious effect; This variant is associated with the following publications: (PMID: 26633542, 30055037)

Counsyl
Classification: Uncertain significance for Merosin deficient congenital muscular dystrophy. Last evaluated: 2018-05-23. Review status: no assertion criteria provided. Collection method: clinical testing. Allele origin: unknown. Not counted in ClinVar's aggregate classification.

Literature cited by the submitters: PubMed 30055037 (cited by Myriad Genetics, Inc. and Labcorp Genetics (formerly Invitae), Labcorp); PubMed 35533453 (cited by Myriad Genetics, Inc.); PubMed 37206914 (cited by Myriad Genetics, Inc.); PubMed 38484275 (cited by Myriad Genetics, Inc.); PubMed 39213089 (cited by Myriad Genetics, Inc.); PubMed 26633542 (cited by 3billion and Counsyl).